The following is an entry in ClinVar:

NM_003742.4(ABCB11):c.1459C>T (p.Arg487Cys)

Gene: ABCB11 (ATP binding cassette subfamily B member 11; minus strand). Cytogenetic location: 2q31.1.
Variant type: single nucleotide variant.
Coding change: c.1459C>T on transcript NM_003742.4 (MANE Select); coding-DNA position 1459, C replaced by T.
Protein change: p.Arg487Cys; replaces arginine 487 with cysteine.
Molecular consequence: missense variant.
Genome position (GRCh38, 1-based): chr2:168,972,026, G>A on the plus strand (C>T on the coding strand, the complement: ABCB11 is on the minus strand). VCF-style: chr2-168972026-G-A. GRCh37 (hg19) VCF-style: chr2-169828536-G-A.
Other names: NM_003742.4(ABCB11):c.1459C>T; p.Arg487Cys; short protein forms R487C.
Identifiers: ClinVar variation 2201969 (VCV002201969.8), dbSNP rs770693935, ClinGen allele CA1951560.
Genomic context (GRCh38, chr2:168,972,026, plus strand): 5'-GAACTGGCTCTTGCTCCACTATCCCAATCTGATCTCTAAGCCACTGAATGTTAAGAGAGC[G>A]AATGTCATGGCCATCCACGGTCACCTAGAGAGCATGGGCACAACATCACAACTTTTGGAA-3'
Protein context (NP_003733.2, residues 477-497): GMVTVDGHDI[Arg487Cys]SLNIQWLRDQ

ClinVar aggregate classification (germline): Likely pathogenic. Review status: criteria provided, multiple submitters, no conflicts (2 of 4 stars). 5 submissions from 5 submitters: Likely pathogenic (5). Last evaluated 2026-04-14.

Conditions:
Benign recurrent intrahepatic cholestasis type 2 (BRIC2). Also called: Recurrent familial intrahepatic cholestasis 2. Identifiers: Orphanet 65682, Orphanet 99961, MedGen C2608083, MONDO:0011559, OMIM 605479.
Progressive familial intrahepatic cholestasis type 2. Identifiers: Orphanet 79304, MedGen C3489789, MONDO:0011156, OMIM 601847.
Familial intrahepatic cholestasis. Identifiers: Orphanet 284385, MedGen CN296401, MONDO:0017290.

Allele frequency attached by ClinVar (database versions not stated): ExAC 0.00001; gnomAD exomes 0.00001; gnomAD 0.00003.
gnomAD v4.1: 18 of 1,612,546 alleles (0.0011%); highest among the groups gnomAD compares: East Asian, 0.0022%; no homozygotes.

Submissions (5):

Genomenon, Inc
Classification: Likely pathogenic for Familial intrahepatic cholestasis. Last evaluated: 2026-04-14. Review status: criteria provided, single submitter. Criteria: Genomenon Sequence Variant Interpretation Standards - Updated. Collection method: curation. Allele origin: germline. Affected: yes.
Comment: ABCB11 p.Arg487Cys (c.1459C>T) is a missense variant that changes the amino acid at residue 487 from Arginine to Cysteine. This variant has been observed in at least one proband with an ABCB11-related disorder (PMID:32808743;32087350). The presence of pathogenic or likely pathogenic missense variant(s) at the same amino acid position indicates that this residue is likely important for protein function. It is absent or not present at a significant frequency in gnomAD. In silico models predict that this variant is possibly or probably damaging. In conclusion, we classify ABCB11 p.Arg487Cys (c.1459C>T) as a likely pathogenic variant.

Natera, Inc.
Classification: Likely pathogenic for Progressive familial intrahepatic cholestasis type 2. Last evaluated: 2025-08-13. Review status: criteria provided, single submitter. Criteria: Natera Variant Classification Schema (03/2026). Collection method: clinical testing. Allele origin: germline.
Comment: The c.1459C>T variant in ABCB11 is a missense variant predicted to cause substitution of arginine to cysteine at amino acid 487. This variant is rare in the general population with a frequency below the threshold expected for the associated phenotype(s). This variant has been observed in one or more individuals affected with the associated recessive disease, as either homozygous or compound heterozygous with a second variant (PMID: 35626323). A different variant at the same position has been determined to be Pathogenic or Likely Pathogenic. Computational prediction algorithms indicate this variant is likely to affect gene or protein function. Given the available evidence, this variant is classified as Likely Pathogenic.

Broad Center for Mendelian Genomics, Broad Institute of MIT and Harvard
Classification: Likely pathogenic for Progressive familial intrahepatic cholestasis type 2. Last evaluated: 2025-01-27. Review status: criteria provided, single submitter. Criteria: ACMG Guidelines, 2015. Collection method: curation. Allele origin: germline. Inheritance: Autosomal recessive inheritance.
Comment: The p.Arg487Cys variant in ABCB11 has been reported in two individuals with BSEP deficiency (PMID: 32309332, DOI:10.33612:diss.133430251), and has been identified in 0.002% (1/44738) of East Asian chromosomes by the Genome Aggregation Database (gnomAD; dbSNP rs770693935). Although this variant has been seen in the general population in a heterozygous state, its frequency is low enough to be consistent with a recessive carrier frequency. This variant has also been reported in ClinVar (Variation ID: 2201969) and has been interpreted as likely pathogenic by Invitae. Of the 2 affected individuals, 1 was a compound heterozygote that carried a reported likely pathogenic variant in trans, which increases the likelihood that the p.Arg487Cys variant is pathogenic (Variation ID: XXX; DOI:10.33612:diss.133430251). Computational prediction tools and conservation analyses suggest that this variant may impact the protein, though this information is not predictive enough to determine pathogenicity. One additional likely pathogenic variant, resulting in a different amino acid change at the same position, p.Arg487His, has been reported in association with disease in the literature/ClinVar, slightly supporting that a change at this position may not be tolerated (PMID: 12717091, 18692205, 20683201, 26858187, 28733223, 27050426, 32309332/Variation ID: 290081). In summary, although additional studies are required to fully establish its clinical significance, this variant is likely pathogenic for autosomal recessive BSEP deficiency. ACMG/AMP Criteria applied: PP3_moderate, PM2_supporting, PM3, PM5_supporting (Richards 2015).

Labcorp Genetics (formerly Invitae), Labcorp
Classification: Likely pathogenic. Last evaluated: 2024-01-29. Review status: criteria provided, single submitter. Criteria: Invitae Variant Classification Sherloc (09022015). Collection method: clinical testing. Allele origin: germline.
Comment: This sequence change replaces arginine, which is basic and polar, with cysteine, which is neutral and slightly polar, at codon 487 of the ABCB11 protein (p.Arg487Cys). This variant is present in population databases (rs770693935, gnomAD 0.004%). This missense change has been observed in individual(s) with ABCB11-related conditions (PMID: 32808743). ClinVar contains an entry for this variant (Variation ID: 2201969). Advanced modeling of protein sequence and biophysical properties (such as structural, functional, and spatial information, amino acid conservation, physicochemical variation, residue mobility, and thermodynamic stability) has been performed at Invitae for this missense variant, however the output from this modeling did not meet the statistical confidence thresholds required to predict the impact of this variant on ABCB11 protein function. This variant disrupts the p.Arg487 amino acid residue in ABCB11. Other variant(s) that disrupt this residue have been determined to be pathogenic (PMID: 12717091, 27050426). This suggests that this residue is clinically significant, and that variants that disrupt this residue are likely to be disease-causing. In summary, the currently available evidence indicates that the variant is pathogenic, but additional data are needed to prove that conclusively. Therefore, this variant has been classified as Likely Pathogenic.

Fulgent Genetics
Classification: Likely pathogenic for Progressive familial intrahepatic cholestasis type 2; Benign recurrent intrahepatic cholestasis type 2. Last evaluated: 2024-01-15. Review status: criteria provided, single submitter. Criteria: ACMG Guidelines, 2015. Collection method: clinical testing. Allele origin: germline.

Literature cited by the submitters: PubMed 32808743 (cited by Genomenon, Inc and Labcorp Genetics (formerly Invitae), Labcorp); PubMed 32087350 (cited by Genomenon, Inc); PubMed 35626323 (cited by Natera, Inc.); PubMed 12717091 (cited by Labcorp Genetics (formerly Invitae), Labcorp); PubMed 27050426 (cited by Labcorp Genetics (formerly Invitae), Labcorp).